The following is an entry in ClinVar:

ClinVar aggregate classification (germline): Pathogenic (1 of 4 stars; one submission).

Conditions:
Cataract 18 (CATC2). Also called: CATARACT 18, AUTOSOMAL RECESSIVE. Identifiers: Orphanet 91492, Orphanet 98991, Orphanet 98992, Orphanet 98995, MedGen C1864908, MONDO:0012395, OMIM 610019.

Submission:

Labcorp Genetics (formerly Invitae), Labcorp
Classification: Pathogenic for Cataract, autosomal recessive congenital 2. Last evaluated: 2018-12-06. Review status: criteria provided, single submitter. Criteria: Invitae Variant Classification Sherloc (09022015). Collection method: clinical testing. Allele origin: germline.
Comment: This sequence change creates a premature translational stop signal (p.Ala836Profs*80) in the FYCO1 gene. It is expected to result in an absent or disrupted protein product. This variant is not present in population databases (ExAC no frequency). This variant has been observed to segregate with autosomal recessive congenital cataract in a family (PMID:Â¬â€ 22935719). Loss-of-function variants in FYCO1 are known to be pathogenic (PMID: 21636066). For these reasons, this variant has been classified as Pathogenic.

NM_024513.4(FYCO1):c.2505del (p.Ala836fs)

Gene: FYCO1 (FYVE and coiled-coil domain autophagy adaptor 1; minus strand). Cytogenetic location: 3p21.31.
Variant type: Deletion.
Coding change: c.2505del on transcript NM_024513.4 (MANE Select); coding-DNA position 2505, one base deleted (A; older notation c.2505delA).
Protein change: p.Ala836fs; shifts the reading frame from alanine 836.
Molecular consequence: frameshift variant.
Genome position (GRCh38, 1-based): chr3:45,966,829, T deleted on the plus strand (A on the coding strand, the reverse complement: FYCO1 is on the minus strand); the first of 2 consecutive T bases (chr3:45,966,829-45,966,830); deleting either gives the same sequence. VCF-style (leftmost placement, unchanged base first): chr3-45966828-CT-C. GRCh37 (hg19) VCF-style: chr3-46008320-CT-C.
Other names: c.2505delA (NM_024513.3); short protein forms A836fs.
Identifiers: ClinVar variation 660217 (VCV000660217.1), dbSNP rs1575369255, ClinGen allele CA915942435.